The following is an entry in ClinVar:

NM_005413.4(SIX3):c.831G>A (p.Pro277=)

Gene: SIX3 (SIX homeobox 3; plus strand). Cytogenetic location: 2p21.
Variant type: single nucleotide variant.
Coding change: c.831G>A on transcript NM_005413.4 (MANE Select); coding-DNA position 831, G replaced by A.
Protein change: p.Pro277=; no amino-acid change (proline 277 retained).
Molecular consequence: synonymous variant.
Genome position (GRCh38, 1-based): chr2:44,944,592, G>A. VCF-style: chr2-44944592-G-A. GRCh37 (hg19) VCF-style: chr2-45171731-G-A.
Identifiers: ClinVar variation 259763 (VCV000259763.34), dbSNP rs370941478, ClinGen allele CA1642398.

ClinVar aggregate classification (germline): Likely benign. Review status: criteria provided, multiple submitters, no conflicts (2 of 4 stars). 4 submissions from 4 submitters: Likely benign (4). Last evaluated 2026-01-01.

Conditions:
Holoprosencephaly 2 (HPE2). Identifiers: Orphanet 2162, MedGen C1834877, MONDO:0007999, OMIM 157170.

Allele frequency attached by ClinVar (database versions not stated): TOPMed 0.00019; gnomAD 0.00022; ESP Exome Variant Server 0.00028.
gnomAD v4.1: 640 of 1,578,362 alleles (0.041%); highest among the groups gnomAD compares: Non-Finnish European, 0.052%; no homozygotes.

Submissions (4):

CeGaT Center for Human Genetics Tuebingen
Classification: Likely benign. Last evaluated: 2026-01-01. Review status: criteria provided, single submitter. Criteria: CeGaT Center For Human Genetics Tuebingen Variant Classification Criteria Version 2. Collection method: clinical testing. Allele origin: germline. Affected: yes. Observed: 2 variant alleles.
Comment: SIX3: BP4, BP7

Labcorp Genetics (formerly Invitae), Labcorp
Classification: Likely benign for Holoprosencephaly 2. Last evaluated: 2025-03-17. Review status: criteria provided, single submitter. Criteria: Invitae Variant Classification Sherloc (09022015). Collection method: clinical testing. Allele origin: germline.

Blueprint Genetics
Classification: Likely benign. Last evaluated: 2024-11-25. Review status: criteria provided, single submitter. Criteria: ACMG Guidelines, 2015. Collection method: clinical testing. Allele origin: germline.

PreventionGenetics, part of Exact Sciences
Classification: Likely benign. Review status: criteria provided, single submitter. Criteria: ACMG Guidelines, 2015. Collection method: clinical testing. Allele origin: germline.